The following is an entry in ClinVar:

NM_000256.3(MYBPC3):c.3614G>A (p.Arg1205Gln)

Gene: MYBPC3 (myosin binding protein C3; minus strand). Cytogenetic location: 11p11.2.
Variant type: single nucleotide variant.
Coding change: c.3614G>A on transcript NM_000256.3 (MANE Select); coding-DNA position 3614, G replaced by A.
Protein change: p.Arg1205Gln; replaces arginine 1205 with glutamine.
Molecular consequence: missense variant.
Genome position (GRCh38, 1-based): chr11:47,332,579, C>T on the plus strand (G>A on the coding strand, the complement: MYBPC3 is on the minus strand). VCF-style: chr11-47332579-C-T. GRCh37 (hg19) VCF-style: chr11-47354130-C-T.
Other names: p.R1205Q:CGG>CAG; c.3614G>A, p.Arg1205Gln (LRG_386t1); short protein forms R1205Q.
Identifiers: ClinVar variation 181014 (VCV000181014.39), dbSNP rs730880596, ClinGen allele CA014478.

ClinVar aggregate classification (germline): Uncertain significance. Review status: criteria provided, multiple submitters, no conflicts (2 of 4 stars). 11 submissions from 11 submitters: Uncertain significance (11). Last evaluated 2026-03-27.

Conditions:
MYBPC3-related disorder. Also called: MYBPC3-related disorders; MYBPC3-related condition; MYBPC3-related disease.
Cardiovascular phenotype. Identifiers: MedGen CN230736.
Hypertrophic cardiomyopathy 4. Also called: Familial hypertrophic cardiomyopathy 4. Identifiers: MedGen C1861862, MONDO:0007268, OMIM 115197.
Left ventricular noncompaction 10 (LVNC10). Identifiers: Orphanet 154, Orphanet 54260, MedGen C3715165, MONDO:0014163, OMIM 615396.
Cardiomyopathy (CMYO). Also called: Cardiomyopathies. Identifiers: Orphanet 167848, MedGen C0878544, MONDO:0004994, HP:0001638. Inheritance: Various modes of inheritance.
Peripheral neuropathy. Also called: Neuropathy. Identifiers: MedGen C0031117, MONDO:0005244, HP:0009830.
Hypertrophic cardiomyopathy. Also called: HYPERTROPHIC MYOCARDIOPATHY. Identifiers: Orphanet 217569, MedGen C0007194, MeSH D002312, MONDO:0005045, HP:0001639.

Allele frequency attached by ClinVar (database versions not stated): ExAC 0.00002; gnomAD exomes 0.00002 and 0.00007; gnomAD 0.00004; TOPMed 0.00006.
gnomAD v4.1: 110 of 1,612,000 alleles (0.0068%); highest among the groups gnomAD compares: Non-Finnish European, 0.0081%; no homozygotes.

Submissions (11):

Molecular Diagnostic Laboratory for Inherited Cardiovascular Disease, Montreal Heart Institute
Classification: Uncertain significance for Cardiovascular phenotype. Last evaluated: 2026-03-27. Review status: criteria provided, single submitter. Criteria: ACMG Guidelines, 2015. Collection method: clinical testing. Allele origin: germline. Affected: yes.
Comment: PM2, PS4_supp, PM5_supp

Women's Health and Genetics/Laboratory Corporation of America, LabCorp
Classification: Uncertain significance. Last evaluated: 2026-03-12. Review status: criteria provided, single submitter. Criteria: LabCorp Variant Classification Summary - May 2015. Collection method: clinical testing. Allele origin: germline.
Comment: Variant summary: MYBPC3 c.3614G>A (p.Arg1205Gln) results in a conservative amino acid change in the encoded protein sequence. Algorithms developed to predict the effect of missense changes on protein structure and function are either unavailable or do not agree on the potential impact of this missense change. The variant allele was found at a frequency of 2e-05 in 248278 control chromosomes. The available data on variant occurrences in the general population are insufficient to allow any conclusion about variant significance. c.3614G>A has been observed in individual(s) affected with Cardiomyopathy (McGurk_2023, Thompson_2021, Walsh_2016). These report(s) do not provide unequivocal conclusions about association of the variant with Cardiomyopathy. To our knowledge, no experimental evidence demonstrating an impact on protein function has been reported. The following publications have been ascertained in the context of this evaluation (PMID: 37652022, 33782553, 27532257). ClinVar contains an entry for this variant (Variation ID: 181014). Based on the evidence outlined above, the variant was classified as uncertain significance.

Labcorp Genetics (formerly Invitae), Labcorp
Classification: Uncertain significance for Hypertrophic cardiomyopathy. Last evaluated: 2025-11-24. Review status: criteria provided, single submitter. Criteria: Invitae Variant Classification Sherloc (09022015). Collection method: clinical testing. Allele origin: germline.
Comment: This sequence change replaces arginine, which is basic and polar, with glutamine, which is neutral and polar, at codon 1205 of the MYBPC3 protein (p.Arg1205Gln). This variant is present in population databases (rs730880596, gnomAD 0.006%). This missense change has been observed in individuals with dilated cardiomyopathy and/or hypertrophic cardiomyopathy (PMID: 27532257, 32841044, 33782553, 37652022; internal data). ClinVar contains an entry for this variant (Variation ID: 181014). An algorithm developed to predict the effect of missense changes on protein structure and function (PolyPhen-2) suggests that this variant is likely to be disruptive. In summary, the available evidence is currently insufficient to determine the role of this variant in disease. Therefore, it has been classified as a Variant of Uncertain Significance.

GeneDx
Classification: Uncertain significance. Last evaluated: 2025-11-13. Review status: criteria provided, single submitter. Criteria: GeneDx Variant Classification Process June 2021. Collection method: clinical testing. Allele origin: germline. Affected: yes.
Comment: Reported in the Framingham and Jackson Heart Study cohort in one individual without hypertrophy, and in another study in one individual with reported HCM without any clinical information provided (PMID: 22958901, 27532257); In silico analysis supports that this missense variant has a deleterious effect on protein structure/function; This variant is associated with the following publications: (PMID: 27532257, 33782553, 24793961, 22958901, 37652022)

PreventionGenetics, part of Exact Sciences
Classification: Uncertain significance for MYBPC3-related condition. Last evaluated: 2025-10-08. Review status: criteria provided, single submitter. Criteria: ACMG Guidelines, 2015. Collection method: clinical testing. Allele origin: germline.
Comment: The MYBPC3 c.3614G>A variant is predicted to result in the amino acid substitution p.Arg1205Gln. This variant was reported in individuals with hypertrophic cardiomyopathy (Table S1A, Walsh et al. 2017. PubMed ID: 27532257; Table S2, Thompson et al. 2021. PubMed ID: 33782553; Table S8, McGurk et al. 2023. PubMed ID: 37652022). Two different substitutions at this amino acid position (p.Arg1205Pro, p.Arg1205Trp) have been reported in individuals with hypertrophic cardiomyopathy (Table S8, McGurk et al. 2023. PubMed ID: 37652022; Table S1, Bos et al. 2014. PubMed ID: 24793961). This variant is reported in 0.0057% of alleles in individuals of Latino descent in gnomAD, including 110 heterozygotes in the gnomAD v4.1.0 database. At this time, the clinical significance of this variant is uncertain due to the absence of conclusive functional and genetic evidence.

Ambry Genetics
Classification: Uncertain significance for Cardiovascular phenotype. Last evaluated: 2025-09-05. Review status: criteria provided, single submitter. Criteria: Ambry Variant Classification Scheme 2023. Collection method: clinical testing. Allele origin: germline.
Comment: The p.R1205Q variant (also known as c.3614G>A), located in coding exon 32 of the MYBPC3 gene, results from a G to A substitution at nucleotide position 3614. The arginine at codon 1205 is replaced by glutamine, an amino acid with highly similar properties. This alteration has been reported in one individual from a hypertrophic cardiomyopathy (HCM) testing cohort, but clinical details were not provided (Walsh R et al. Genet. Med., 2017 Feb;19:192-203); it has also been detected in a participant from the Framingham/Jackson Heart Study (Bick AG et al. Am. J. Hum. Genet., 2012 Sep;91:513-9). This amino acid position is highly conserved in available vertebrate species. In addition, the in silico prediction for this alteration is inconclusive. Since supporting evidence is limited at this time, the clinical significance of this alteration remains unclear.

Institute of Immunology and Genetics Kaiserslautern
Classification: Uncertain significance for Hypertrophic cardiomyopathy 4; Left ventricular noncompaction 10. Last evaluated: 2025-08-15. Review status: criteria provided, single submitter. Criteria: ACMG Guidelines, 2015. Collection method: clinical testing. Allele origin: germline. Affected: yes.
Comment: ACMG Criteria: PM2_P, PM5; Variant was found in heterozygous state.

Blueprint Genetics
Classification: Uncertain significance. Last evaluated: 2024-11-04. Review status: criteria provided, single submitter. Criteria: ACMG Guidelines, 2015. Collection method: clinical testing. Allele origin: germline.

All of Us Research Program, National Institutes of Health
Classification: Uncertain significance for Hypertrophic cardiomyopathy. Last evaluated: 2024-07-15. Review status: criteria provided, single submitter. Criteria: ACMG Guidelines, 2015. Collection method: clinical testing. Allele origin: germline. Inheritance: Autosomal dominant inheritance. Observed: 10 variant alleles, 10 heterozygotes.
Comment: This missense variant replaces arginine with glutamine at codon 1205 of the MYBPC3 protein. Computational prediction suggests that this variant may not impact protein structure and function (internally defined REVEL score threshold <= 0.5, PMID: 27666373). To our knowledge, functional studies have not been reported for this variant. This variant has been reported in an individual affected with hypertrophic cardiomyopathy (PMID: 27532257, 32841044, 33495597). This variant has been identified in 6/279662 chromosomes in the general population by the Genome Aggregation Database (gnomAD). The available evidence is insufficient to determine the role of this variant in disease conclusively. Therefore, this variant is classified as a Variant of Uncertain Significance.

This study involves interpretation of variants in research participants for the purpose of population health screening. Participant phenotype was not available at the time of variant classification. Additional details can be found in publication PMID: 35346344, PMCID: PMC8962531

Color Diagnostics, LLC DBA Color Health
Classification: Uncertain significance for Cardiomyopathy. Last evaluated: 2024-04-24. Review status: criteria provided, single submitter. Criteria: ACMG Guidelines, 2015. Collection method: clinical testing. Allele origin: germline.
Comment: This missense variant replaces arginine with glutamine at codon 1205 of the MYBPC3 protein. Computational prediction tools indicate that this variant's impact on protein structure and function is inconclusive. To our knowledge, functional studies have not been reported for this variant. This variant has been reported in one individual affected with hypertrophic cardiomyopathy (PMID: 27532257, 32841044, 33495597). This variant has been identified in 6/279662 chromosomes in the general population by the Genome Aggregation Database (gnomAD). The available evidence is insufficient to determine the role of this variant in disease conclusively. Therefore, this variant is classified as a Variant of Uncertain Significance.

Claritas Genomics
Classification: Uncertain significance for Peripheral neuropathy. Last evaluated: 2016-08-22. Review status: criteria provided, single submitter. Criteria: ACMG Guidelines, 2015. Collection method: clinical testing. Allele origin: germline. Affected: yes.

Literature cited by the submitters: PubMed 27532257 (cited by 5 submitters); PubMed 33782553 (cited by Women's Health and Genetics/Laboratory Corporation of America, LabCorp and Labcorp Genetics (formerly Invitae), Labcorp); PubMed 37652022 (cited by Women's Health and Genetics/Laboratory Corporation of America, LabCorp and Labcorp Genetics (formerly Invitae), Labcorp); PubMed 32841044 (cited by 3 submitters); PubMed 22958901 (cited by Ambry Genetics); PubMed 24793961 (cited by Ambry Genetics); PubMed 33495597 (cited by All of Us Research Program, National Institutes of Health and Color Diagnostics, LLC DBA Color Health).